The following is an entry in ClinVar:

NM_024422.6(DSC2):c.1307G>T (p.Gly436Val)

Gene: DSC2 (desmocollin 2; minus strand). Cytogenetic location: 18q12.1.
Variant type: single nucleotide variant.
Coding change: c.1307G>T on transcript NM_024422.6 (MANE Select); coding-DNA position 1307, G replaced by T.
Protein change: p.Gly436Val; replaces glycine 436 with valine.
Molecular consequence: missense variant.
Genome position (GRCh38, 1-based): chr18:31,080,309, C>A on the plus strand (G>T on the coding strand, the complement: DSC2 is on the minus strand). VCF-style: chr18-31080309-C-A. GRCh37 (hg19) VCF-style: chr18-28660275-C-A.
Other names: c.1307G>T, p.Gly436Val (NM_004949.5); short protein forms G436V.
Identifiers: ClinVar variation 265802 (VCV000265802.16), dbSNP rs763981974, ClinGen allele CA030884.
Genomic context (GRCh38, chr18:31,080,309, plus strand): 5'-GCTGTGCTCATGGCTGATCTTGGACTAGCCTCTCTGGAAAATGGAGCTTCATTAACTACA[C>A]CAATTTGCAAGATCATCTGTTGCTTTTCTTCATAATTCAAAGGCTACGAAAGCAAATGTA-3'
Protein context (NP_077740.1, residues 426-446): EEKQQMILQI[Gly436Val]VVNEAPFSRE

ClinVar aggregate classification (germline): Uncertain significance. Review status: criteria provided, multiple submitters, no conflicts (2 of 4 stars). 6 submissions from 6 submitters: Uncertain significance (5). 1 of the submissions does not count toward it. Last evaluated 2025-09-26.

Conditions:
Cardiovascular phenotype. Identifiers: MedGen CN230736.
Cardiomyopathy (CMYO). Also called: Cardiomyopathies. Identifiers: Orphanet 167848, MedGen C0878544, MONDO:0004994, HP:0001638. Inheritance: Various modes of inheritance.
Arrhythmogenic right ventricular dysplasia 11. Also called: Arrhythmogenic Right Ventricular Dysplasia/Cardiomyopathy11; ARRHYTHMOGENIC RIGHT VENTRICULAR DYSPLASIA, FAMILIAL, 11; Arrhythmogenic right ventricular dysplasia 11 with mild palmoplantar keratoderma and woolly hair. Identifiers: MedGen C1864850, MONDO:0012506, OMIM 610476.
Dilated cardiomyopathy 1S (CMD1S). Identifiers: Orphanet 154, Orphanet 54260, MedGen C1834481, MONDO:0013262, OMIM 613426.
Familial isolated arrhythmogenic right ventricular dysplasia. Identifiers: Orphanet 217656, MedGen C4274968, MONDO:0016342.

Allele frequency attached by ClinVar (database versions not stated): ExAC 0.00001.
gnomAD v4.1: 34 of 1,613,970 alleles (0.0021%); highest among the groups gnomAD compares: Non-Finnish European, 0.0028%; no homozygotes.

Submissions (6):

Labcorp Genetics (formerly Invitae), Labcorp
Classification: Uncertain significance for Arrhythmogenic right ventricular dysplasia 11. Last evaluated: 2025-09-26. Review status: criteria provided, single submitter. Criteria: Invitae Variant Classification Sherloc (09022015). Collection method: clinical testing. Allele origin: germline.
Comment: This sequence change replaces glycine, which is neutral and non-polar, with valine, which is neutral and non-polar, at codon 436 of the DSC2 protein (p.Gly436Val). This variant is present in population databases (rs763981974, gnomAD 0.004%). This variant has not been reported in the literature in individuals affected with DSC2-related conditions. ClinVar contains an entry for this variant (Variation ID: 265802). Invitae Evidence Modeling of protein sequence and biophysical properties (such as structural, functional, and spatial information, amino acid conservation, physicochemical variation, residue mobility, and thermodynamic stability) indicates that this missense variant is not expected to disrupt DSC2 protein function with a negative predictive value of 80%. In summary, the available evidence is currently insufficient to determine the role of this variant in disease. Therefore, it has been classified as a Variant of Uncertain Significance.

Color Diagnostics, LLC DBA Color Health
Classification: Uncertain significance for Cardiomyopathy. Last evaluated: 2024-04-18. Review status: criteria provided, single submitter. Criteria: ACMG Guidelines, 2015. Collection method: clinical testing. Allele origin: germline.
Comment: This missense variant replaces glycine with valine at codon 436 of the DSC2 protein. Computational prediction suggests that this variant may not impact protein structure and function. To our knowledge, functional studies have not been reported for this variant. This variant has been reported in an individual affected with dilated cardiomyopathy, who also carried a pathogenic truncation variant in the TTN gene that could explain the observed phenotype (PMID: 29253866). This variant has been identified in 3/250862 chromosomes in the general population by the Genome Aggregation Database (gnomAD). The available evidence is insufficient to determine the role of this variant in disease conclusively. Therefore, this variant is classified as a Variant of Uncertain Significance.

All of Us Research Program, National Institutes of Health
Classification: Uncertain significance for Familial isolated arrhythmogenic right ventricular dysplasia. Last evaluated: 2023-12-01. Review status: criteria provided, single submitter. Criteria: ACMG Guidelines, 2015. Collection method: clinical testing. Allele origin: germline. Inheritance: Autosomal dominant inheritance. Observed: 1 variant allele, 1 heterozygote.
Comment: This study involves interpretation of variants in research participants for the purpose of population health screening. Participant phenotype was not available at the time of variant classification. Additional details can be found in publication PMID: 35346344, PMCID: PMC8962531

Fulgent Genetics
Classification: Uncertain significance for Arrhythmogenic right ventricular dysplasia 11. Last evaluated: 2021-09-20. Review status: criteria provided, single submitter. Criteria: ACMG Guidelines, 2015. Collection method: clinical testing. Allele origin: unknown.

Ambry Genetics
Classification: Uncertain significance for Cardiovascular phenotype. Last evaluated: 2018-11-30. Review status: criteria provided, single submitter. Criteria: Ambry Variant Classification Scheme 2023. Collection method: clinical testing. Allele origin: germline.
Comment: The p.G436V variant (also known as c.1307G>T), located in coding exon 10 of the DSC2 gene, results from a G to T substitution at nucleotide position 1307. The glycine at codon 436 is replaced by valine, an amino acid with dissimilar properties. This amino acid position is not well conserved in available vertebrate species. In addition, this alteration is predicted to be tolerated by in silico analysis. Since supporting evidence is limited at this time, the clinical significance of this alteration remains unclear.

Institut für Laboratoriums- und Transfusionsmedizin, Herz- und Diabeteszentrum Nordrhein-Westfalen
Classification: Likely benign for Dilated cardiomyopathy 1S. Last evaluated: 2016-05-01. Review status: no assertion criteria provided. Collection method: clinical testing. Allele origin: germline. Affected: yes. Observed: 1 variant allele. Not counted in ClinVar's aggregate classification.

Literature cited by the submitters: PubMed 29253866 (cited by Color Diagnostics, LLC DBA Color Health).